The following is an entry in ClinVar:

ClinVar aggregate classification (germline): Uncertain significance (1 of 4 stars; one submission).

Conditions:
Hereditary cancer-predisposing syndrome. Also called: Neoplastic Syndromes, Hereditary; Tumor predisposition; Hereditary Cancer Syndrome; Hereditary neoplastic syndrome. Identifiers: Orphanet 140162, MedGen C0027672, MeSH D009386, MONDO:0015356.

Submission:

Color Diagnostics, LLC DBA Color Health
Classification: Uncertain significance for Hereditary cancer-predisposing syndrome. Last evaluated: 2023-12-04. Review status: criteria provided, single submitter. Criteria: ACMG Guidelines, 2015. Collection method: clinical testing. Allele origin: germline.
Comment: This missense variant replaces leucine with glutamine at codon 561 of the BAP1 protein. Computational prediction suggests that this variant may not impact protein structure and function (internally defined REVEL score threshold <= 0.5, PMID: 27666373). To our knowledge, functional studies have not been reported for this variant. This variant has not been reported in individuals affected with BAP1-related disorders in the literature. This variant has not been identified in the general population by the Genome Aggregation Database (gnomAD). The available evidence is insufficient to determine the role of this variant in disease conclusively. Therefore, this variant is classified as a Variant of Uncertain Significance.

NM_004656.4(BAP1):c.1682T>A (p.Leu561Gln)

Gene: BAP1 (BRCA1 associated deubiquitinase 1; minus strand). Cytogenetic location: 3p21.1.
Variant type: single nucleotide variant.
Coding change: c.1682T>A on transcript NM_004656.4 (MANE Select); coding-DNA position 1682, T replaced by A.
Protein change: p.Leu561Gln; replaces leucine 561 with glutamine.
Molecular consequence: missense variant.
Genome position (GRCh38, 1-based): chr3:52,403,463, A>T on the plus strand (T>A on the coding strand, the complement: BAP1 is on the minus strand). VCF-style: chr3-52403463-A-T. GRCh37 (hg19) VCF-style: chr3-52437479-A-T.
Other names: short protein forms L561Q.
Identifiers: ClinVar variation 918490 (VCV000918490.4), dbSNP rs1705037486, ClinGen allele CA353099875.